The following is an entry in ClinVar:

NM_001244008.2(KIF1A):c.23T>C (p.Val8Ala)

Gene: KIF1A (kinesin family member 1A; minus strand). Cytogenetic location: 2q37.3.
Variant type: single nucleotide variant.
Coding change: c.23T>C on transcript NM_001244008.2 (MANE Select); coding-DNA position 23, T replaced by C.
Protein change: p.Val8Ala; replaces valine 8 with alanine.
Molecular consequence: missense variant.
Genome position (GRCh38, 1-based): chr2:240,797,730, A>G on the plus strand (T>C on the coding strand, the complement: KIF1A is on the minus strand). VCF-style: chr2-240797730-A-G. GRCh37 (hg19) VCF-style: chr2-241737147-A-G.
Other names: c.23T>C, p.Val8Ala (NM_001320705.2, NM_001330289.2, NM_001330290.2 and 21 more transcripts); short protein forms V8A.
Identifiers: ClinVar variation 2922083 (VCV002922083.4), dbSNP rs2538656995, ClinGen allele CA351316043.
Genomic context (GRCh38, chr2:240,797,730, plus strand): 5'-ATGATGCACTTGGAGTCACGGCTCATTTCCCGGGAATTGAAGGGGCGGACCCGCACCGCC[A>G]CCTTCACCGAAGCCCCGGCCATCTCTGTGGCCTTCGTGGGTCACTCCTCGCAGTAGTGGG-3'
Protein context (NP_001230937.1, residues 1-18): MAGASVK[Val8Ala]AVRVRPFNSR

ClinVar aggregate classification (germline): Uncertain significance. Review status: criteria provided, multiple submitters, no conflicts (2 of 4 stars). 2 submissions from 2 submitters: Uncertain significance (2). Last evaluated 2025-07-02.

Conditions:
Neuropathy, hereditary sensory, type 2C. Also called: Hereditary sensory and autonomic neuropathy type IIC; KIF1A-Related HSAN2 (HSAN2C). Identifiers: Orphanet 970, MedGen C3280168, MONDO:0013634, OMIM 614213.
Hereditary spastic paraplegia 30. Identifiers: Orphanet 101010, MedGen C5235139, MONDO:0012476.
Intellectual disability, autosomal dominant 9 (NESCAVS). Also called: NESCAV SYNDROME; KIF1A-Related Neurodevelopmental Disorder. Identifiers: Orphanet 662367, MedGen C5393830, MONDO:0013656, OMIM 614255.

Submissions (2):

Athena Diagnostics
Classification: Uncertain significance. Last evaluated: 2025-07-02. Review status: criteria provided, single submitter. Criteria: Athena Diagnostics Criteria. Collection method: clinical testing. Allele origin: unknown.
Comment: Available data are insufficient to determine the clinical significance of the variant at this time. This variant has not been reported in large, multi-ethnic general populations. Polyphen and MutationTaster predict this amino acid change may be damaging to the protein.

Labcorp Genetics (formerly Invitae), Labcorp
Classification: Uncertain significance for Hereditary spastic paraplegia 30; Neuropathy, hereditary sensory, type 2C; Intellectual disability, autosomal dominant 9. Last evaluated: 2024-01-09. Review status: criteria provided, single submitter. Criteria: Invitae Variant Classification Sherloc (09022015). Collection method: clinical testing. Allele origin: germline.
Comment: This sequence change replaces valine, which is neutral and non-polar, with alanine, which is neutral and non-polar, at codon 8 of the KIF1A protein (p.Val8Ala). This variant is not present in population databases (gnomAD no frequency). This variant has not been reported in the literature in individuals affected with KIF1A-related conditions. Advanced modeling of protein sequence and biophysical properties (such as structural, functional, and spatial information, amino acid conservation, physicochemical variation, residue mobility, and thermodynamic stability) performed at Invitae indicates that this missense variant is expected to disrupt KIF1A protein function with a positive predictive value of 95%. In summary, the available evidence is currently insufficient to determine the role of this variant in disease. Therefore, it has been classified as a Variant of Uncertain Significance.